The following is an entry in ClinVar:

ClinVar aggregate classification (germline): Likely benign (1 of 4 stars; one submission).

gnomAD v4.1: 237 of 1,613,816 alleles (0.015%); highest among the groups gnomAD compares: South Asian, 0.24%; 1 homozygote.

Submission:

CeGaT Center for Human Genetics Tuebingen
Classification: Likely benign. Last evaluated: 2026-01-01. Review status: criteria provided, single submitter. Criteria: CeGaT Center For Human Genetics Tuebingen Variant Classification Criteria Version 2. Collection method: clinical testing. Allele origin: germline. Affected: yes. Observed: 1 variant allele.
Comment: TENM4: BP4, BS1

NM_001098816.3(TENM4):c.3801-5G>A

Gene: TENM4 (teneurin transmembrane protein 4; minus strand). Cytogenetic location: 11q14.1.
Variant type: single nucleotide variant.
Coding change: c.3801-5G>A on transcript NM_001098816.3 (MANE Select); 5 bases into the intron before coding-DNA position 3801, G replaced by A.
Molecular consequence: intron variant.
Genome position (GRCh38, 1-based): chr11:78,720,395, C>T on the plus strand (G>A on the coding strand, the complement: TENM4 is on the minus strand). VCF-style: chr11-78720395-C-T. GRCh37 (hg19) VCF-style: chr11-78431440-C-T.
Identifiers: ClinVar variation 4821497 (VCV004821497.4).